The following is an entry in ClinVar:

ClinVar aggregate classification (germline): Uncertain significance (1 of 4 stars; one submission).

Conditions:
Catecholaminergic polymorphic ventricular tachycardia (CVPT). Also called: Catecholamine-induced polymorphic ventricular tachycardia. Identifiers: Orphanet 3286, MedGen C5574922, MONDO:0017990.

Submission:

All of Us Research Program, National Institutes of Health
Classification: Uncertain significance for Catecholaminergic polymorphic ventricular tachycardia. Last evaluated: 2023-12-13. Review status: criteria provided, single submitter. Criteria: ACMG Guidelines, 2015. Collection method: clinical testing. Allele origin: germline. Inheritance: Autosomal dominant inheritance. Observed: 2 variant alleles, 2 heterozygotes.
Comment: This missense variant replaces asparagine with serine at codon 1939 of the RYR2 protein. Computational prediction suggests that this variant may not impact protein structure and function (internally defined REVEL score threshold <= 0.5, PMID: 27666373). To our knowledge, functional studies have not been reported for this variant. This variant has not been reported in individuals affected with RYR2-related disorders in the literature. This variant has not been identified in the general population by the Genome Aggregation Database (gnomAD). The available evidence is insufficient to determine the role of this variant in disease conclusively. Therefore, this variant is classified as a Variant of Uncertain Significance.

This study involves interpretation of variants in research participants for the purpose of population health screening. Participant phenotype was not available at the time of variant classification. Additional details can be found in publication PMID: 35346344, PMCID: PMC8962531

NM_001035.3(RYR2):c.5816A>G (p.Asn1939Ser)

Gene: RYR2 (ryanodine receptor 2; plus strand). Cytogenetic location: 1q43.
Variant type: single nucleotide variant.
Coding change: c.5816A>G on transcript NM_001035.3 (MANE Select); coding-DNA position 5816, A replaced by G.
Protein change: p.Asn1939Ser; replaces asparagine 1939 with serine.
Molecular consequence: missense variant.
Genome position (GRCh38, 1-based): chr1:237,617,386, A>G. VCF-style: chr1-237617386-A-G. GRCh37 (hg19) VCF-style: chr1-237780686-A-G.
Other names: short protein forms N1939S.
Identifiers: ClinVar variation 3073340 (VCV003073340.1), dbSNP rs2546817429, ClinGen allele CA345407125.